The following is an entry in ClinVar:

ClinVar aggregate classification (germline): Uncertain significance (1 of 4 stars; one submission).

Submission:

Labcorp Genetics (formerly Invitae), Labcorp
Classification: Uncertain significance. Last evaluated: 2024-02-17. Review status: criteria provided, single submitter. Criteria: Invitae Variant Classification Sherloc (09022015). Collection method: clinical testing. Allele origin: germline.
Comment: This sequence change replaces glutamic acid, which is acidic and polar, with glycine, which is neutral and non-polar, at codon 620 of the ANKZF1 protein (p.Glu620Gly). This variant is not present in population databases (gnomAD no frequency). This variant has not been reported in the literature in individuals affected with ANKZF1-related conditions. ClinVar contains an entry for this variant (Variation ID: 2106413). An algorithm developed to predict the effect of missense changes on protein structure and function (PolyPhen-2) suggests that this variant is likely to be tolerated. In summary, the available evidence is currently insufficient to determine the role of this variant in disease. Therefore, it has been classified as a Variant of Uncertain Significance.

NM_018089.3(ANKZF1):c.1859A>G (p.Glu620Gly)

Gene: ANKZF1 (ankyrin repeat and zinc finger peptidyl tRNA hydrolase 1; plus strand). Cytogenetic location: 2q35.
Variant type: single nucleotide variant.
Coding change: c.1859A>G on transcript NM_018089.3 (MANE Select); coding-DNA position 1859, A replaced by G.
Protein change: p.Glu620Gly; replaces glutamic acid 620 with glycine.
Molecular consequence: missense variant.
Genome position (GRCh38, 1-based): chr2:219,235,763, A>G. VCF-style: chr2-219235763-A-G. GRCh37 (hg19) VCF-style: chr2-220100485-A-G.
Other names: c.1859A>G, p.Glu620Gly (NM_001042410.2); c.1229A>G, p.Glu410Gly (NM_001282792.2); short protein forms E620G, E410G.
Identifiers: ClinVar variation 2106413 (VCV002106413.4), dbSNP rs2544933101, ClinGen allele CA350687619.